The following is an entry in ClinVar:

NM_003680.4(YARS1):c.802C>T (p.Leu268Phe)

Genes: YARS1 (tyrosyl-tRNA synthetase 1; minus strand), LOC126805688 (BRD4-independent group 4 enhancer GRCh37_chr1:33251929-33253128; plus strand). Cytogenetic location: 1p35.1.
Variant type: single nucleotide variant.
Coding change: c.802C>T on transcript NM_003680.4 (MANE Select); coding-DNA position 802, C replaced by T.
Protein change: p.Leu268Phe; replaces leucine 268 with phenylalanine.
Molecular consequence: missense variant.
Genome position (GRCh38, 1-based): chr1:32,786,958, G>A on the plus strand (C>T on the coding strand, the complement: YARS1 is on the minus strand). VCF-style: chr1-32786958-G-A. GRCh37 (hg19) VCF-style: chr1-33252559-G-A.
Other names: short protein forms L268F.
Identifiers: ClinVar variation 2733614 (VCV002733614.3), dbSNP rs2523373091, ClinGen allele CA339685066.

ClinVar aggregate classification (germline): Uncertain significance (1 of 4 stars; one submission).

Conditions:
Charcot-Marie-Tooth disease dominant intermediate C (CMTDIC). Also called: CHARCOT-MARIE-TOOTH NEUROPATHY, DOMINANT INTERMEDIATE C. Identifiers: Orphanet 100045, MedGen C1842237, MONDO:0012012, OMIM 608323.

Allele frequency attached by ClinVar (database versions not stated): gnomAD exomes below 0.00001.
gnomAD v4.1: 2 of 1,614,064 alleles (0.00012%); highest among the groups gnomAD compares: African/African-American, 0.0013%; no homozygotes.

Submission:

Labcorp Genetics (formerly Invitae), Labcorp
Classification: Uncertain significance for Charcot-Marie-Tooth disease dominant intermediate C. Last evaluated: 2023-07-31. Review status: criteria provided, single submitter. Criteria: Invitae Variant Classification Sherloc (09022015). Collection method: clinical testing. Allele origin: germline.
Comment: This sequence change replaces leucine, which is neutral and non-polar, with phenylalanine, which is neutral and non-polar, at codon 268 of the YARS protein (p.Leu268Phe). This variant is not present in population databases (gnomAD no frequency). This variant has not been reported in the literature in individuals affected with YARS-related conditions. Advanced modeling of protein sequence and biophysical properties (such as structural, functional, and spatial information, amino acid conservation, physicochemical variation, residue mobility, and thermodynamic stability) performed at Invitae indicates that this missense variant is not expected to disrupt YARS protein function. In summary, the available evidence is currently insufficient to determine the role of this variant in disease. Therefore, it has been classified as a Variant of Uncertain Significance.